The following is an entry in ClinVar:

ClinVar aggregate classification (germline): Benign. Review status: criteria provided, multiple submitters, no conflicts (2 of 4 stars). 15 submissions from 14 submitters: Benign (12). 3 of the submissions do not count toward it. Last evaluated 2026-02-04.

Conditions:
SMPD1-related disorder. Also called: SMPD1-related condition.
Niemann-Pick disease, type A. Also called: SPHINGOMYELINASE DEFICIENCY; SPHINGOMYELIN LIPIDOSIS; Infantile Neurovisceral ASMD (Niemann-Pick Disease Type A; NPD-A). Identifiers: Orphanet 77292, MedGen C0268242, MONDO:0009756, OMIM 257200. Disease mechanism: loss of function.
Niemann-Pick disease, type B. Also called: Chronic Visceral ASMD (Niemann-Pick Disease Type B; NPD-B). Identifiers: Orphanet 77293, MedGen C0268243, MONDO:0011871, OMIM 607616. Disease mechanism: loss of function.

Submissions (15):

Labcorp Genetics (formerly Invitae), Labcorp
Classification: Benign for Niemann-Pick disease, type B; Niemann-Pick disease, type A. Last evaluated: 2026-02-04. Review status: criteria provided, single submitter. Criteria: Invitae Variant Classification Sherloc (09022015). Collection method: clinical testing. Allele origin: germline.

Genomic Medicine Center of Excellence, King Faisal Specialist Hospital and Research Centre
Classification: Benign for Niemann-Pick disease, type A. Last evaluated: 2025-09-10. Review status: criteria provided, single submitter. Criteria: ACMG Guidelines, 2015. Collection method: clinical testing. Allele origin: germline.

Laboratory of Genetics, Children's Clinical University Hospital Latvia
Classification: Benign. Last evaluated: 2025-02-16. Review status: criteria provided, single submitter. Criteria: ACMG Guidelines, 2015. Collection method: clinical testing. Allele origin: germline. Affected: yes.

Blueprint Genetics
Classification: Benign. Last evaluated: 2024-11-27. Review status: criteria provided, single submitter. Criteria: ACMG Guidelines, 2015. Collection method: clinical testing. Allele origin: germline.

Molecular Genetics, Royal Melbourne Hospital
Classification: Benign for Niemann-Pick disease, type B. Last evaluated: 2023-05-04. Review status: criteria provided, single submitter. Criteria: ACMG Guidelines, 2015. Collection method: clinical testing. Allele origin: germline. Affected: yes.
Comment: African/African American population allele frequency is 34.25% (rs1050228, 7876/22434 alleles, 1698 homozygotes in gnomAD v2.1). Based on the classification scheme RMH Modified ACMG/AMP Guidelines v1.5.1, this variant is classified as BENIGN. Following criteria are met: BA1

Fulgent Genetics
Classification: Benign for Niemann-Pick disease, type A; Niemann-Pick disease, type B. Last evaluated: 2022-04-07. Review status: criteria provided, single submitter. Criteria: ACMG Guidelines, 2015. Collection method: clinical testing. Allele origin: unknown.

Genome-Nilou Lab
Classification: Benign for Niemann-Pick disease, type A. Last evaluated: 2021-07-15. Review status: criteria provided, single submitter. Criteria: ACMG Guidelines, 2015. Collection method: clinical testing. Allele origin: germline. Affected: no.

Genome-Nilou Lab
Classification: Benign for Niemann-Pick disease, type B. Last evaluated: 2021-07-15. Review status: criteria provided, single submitter. Criteria: ACMG Guidelines, 2015. Collection method: clinical testing. Allele origin: germline. Affected: no.

GeneDx
Classification: Benign. Last evaluated: 2018-07-05. Review status: criteria provided, single submitter. Criteria: GeneDx Variant Classification Process June 2021. Collection method: clinical testing. Allele origin: germline. Affected: yes.

Women's Health and Genetics/Laboratory Corporation of America, LabCorp
Classification: Benign. Last evaluated: 2016-09-02. Review status: criteria provided, single submitter. Criteria: LabCorp Variant Classification Summary - May 2015. Collection method: clinical testing. Allele origin: germline.
Comment: Variant summary: The SMPD1 c.138_143delGCTGGC (p.Leu47_Ala48del) variant involves an in-frame deletion of 6 nucleotides located in a known repeat region. Mutation taster predicts a benign outcome for this variant. This variant was found in 24716/110368 control chromosomes (6066 homozygotes), being most prevalent in the African subpopulation with a frequency of 0.3228346 (2706/8382). This frequency greatly exceeds the estimated maximal expected allele frequency of a pathogenic SMPD1 variant (0.0022361), suggesting this is likely a benign polymorphism found primarily in the populations of African origin. Multiple publications consider variant as a polymorphism. Considering the high frequency of the variant in the general population, it was classified as benign.

Laboratory for Molecular Medicine, Mass General Brigham Personalized Medicine
Classification: Benign. Last evaluated: 2016-03-28. Review status: criteria provided, single submitter. Criteria: LMM Criteria. Collection method: clinical testing. Allele origin: germline.
Comment: Variant identified in a genome or exome case(s) and assessed due to predicted null impact of the variant or pathogenic assertions in the literature or databases. Disclaimer: This variant has not undergone full assessment. The following are preliminary notes: MAF

Eurofins Ntd Llc (ga)
Classification: Benign. Last evaluated: 2015-07-14. Review status: criteria provided, single submitter. Criteria: EGL Classification Definitions 2015. Collection method: clinical testing. Allele origin: germline.

PreventionGenetics, part of Exact Sciences
Classification: Benign for SMPD1-related condition. Last evaluated: 2022-08-05. Review status: no assertion criteria provided. Collection method: clinical testing. Allele origin: germline. Not counted in ClinVar's aggregate classification.
Comment: This variant is classified as benign based on ACMG/AMP sequence variant interpretation guidelines (Richards et al. 2015 PMID: 25741868, with internal and published modifications).

Natera, Inc.
Classification: Benign for Niemann-Pick Disease, Types A/B. Last evaluated: 2017-05-15. Review status: no assertion criteria provided. Collection method: clinical testing. Allele origin: germline. Not counted in ClinVar's aggregate classification.

Mayo Clinic Laboratories, Mayo Clinic
Classification: Uncertain significance. Last evaluated: 2015-10-22. Review status: no assertion criteria provided. Collection method: clinical testing. Allele origin: unknown. Not counted in ClinVar's aggregate classification.

Literature cited by the submitters: PubMed 17360762 (cited by Women's Health and Genetics/Laboratory Corporation of America, LabCorp); PubMed 25301364 (cited by Women's Health and Genetics/Laboratory Corporation of America, LabCorp).

NM_000543.5(SMPD1):c.108GCTGGC[5] (p.38AL[5])

Gene: SMPD1 (sphingomyelin phosphodiesterase 1; plus strand). Cytogenetic location: 11p15.4.
Variant type: Microsatellite.
Coding change: c.108GCTGGC[5] on transcript NM_000543.5 (MANE Select); five copies in a row of the 6-base unit GCTGGC starting at c.108; the reference has six copies in a row; one copy, 6 bases deleted; also written c.138_143del.
Protein change: p.38AL[5].
Molecular consequence: inframe deletion. On other transcripts: 5 prime UTR variant (1), non-coding transcript variant (2).
Genome position (GRCh38, 1-based): chr11:6,390,736-6,390,741, GCTGGC deleted; deleting any 6 consecutive bases within chr11:6,390,706-6,390,741 gives the same sequence; the position shown is the placement nearest the transcript's 3' end. VCF-style (leftmost placement, unchanged base first): chr11-6390705-TGCTGGC-T. GRCh37 (hg19) VCF-style: chr11-6411935-TGCTGGC-T.
Other names: c.108GCTGGC[5], p.38AL[5] (NM_001007593.3, NM_001318087.2, NM_001365135.2); c.-854GCTGGC[5] (NM_001318088.2); c.138_143del (NM_000543.5); c.120_125delGCTGGC (NM_000543.4); c.138_143del6 (NM_000543.4); c.138_143delGCTGGC (NM_000543.5).
Identifiers: ClinVar variation 256592 (VCV000256592.31), dbSNP rs3838786, ClinGen allele CA5852484.